The following is an entry in ClinVar:

NM_004958.4(MTOR):c.6129C>T (p.Asn2043=)

Gene: MTOR (mechanistic target of rapamycin kinase; minus strand). Cytogenetic location: 1p36.22.
Variant type: single nucleotide variant.
Coding change: c.6129C>T on transcript NM_004958.4 (MANE Select); coding-DNA position 6129, C replaced by T.
Protein change: p.Asn2043=; no amino-acid change (asparagine 2043 retained).
Molecular consequence: synonymous variant.
Genome position (GRCh38, 1-based): chr1:11,127,711, G>A on the plus strand (C>T on the coding strand, the complement: MTOR is on the minus strand). VCF-style: chr1-11127711-G-A. GRCh37 (hg19) VCF-style: chr1-11187768-G-A.
Other names: c.6129C>T (LRG_734t1).
Identifiers: ClinVar variation 414905 (VCV000414905.39), dbSNP rs56096707, ClinGen allele CA589167.
Genomic context (GRCh38, chr1:11,127,711, plus strand): 5'-CTGGGGGCCCCGTTCCATCATAGCATGCAAGGGCTCCAGCACCTCAAACATGCCTTTCAC[G>A]TTCCTTTCCCCAAAGTACAAACGAGATGCCTCTTCCAGGCCTTCATGCCACATCTCATGC-3'
Protein context (NP_004949.1, residues 2033-2053): EASRLYFGER[Asn2043=]VKGMFEVLEP

ClinVar aggregate classification (germline): Benign/Likely benign. Review status: criteria provided, multiple submitters, no conflicts (2 of 4 stars). 5 submissions from 5 submitters: Benign (2); Likely benign (3). Last evaluated 2026-02-03.

Allele frequency attached by ClinVar (database versions not stated): gnomAD exomes 0.00088; ExAC 0.00105; 1000 Genomes Project 0.00260; 1000 Genomes Project 30x 0.00265; ESP Exome Variant Server 0.00323; gnomAD 0.00350 and 0.00384; TOPMed 0.00394.
gnomAD v4.1: 993 of 1,614,008 alleles (0.062%); highest among the groups gnomAD compares: African/African-American, 1.1%; 7 homozygotes.

Submissions (5):

Labcorp Genetics (formerly Invitae), Labcorp
Classification: Benign. Last evaluated: 2026-02-03. Review status: criteria provided, single submitter. Criteria: Invitae Variant Classification Sherloc (09022015). Collection method: clinical testing. Allele origin: germline.

Blueprint Genetics
Classification: Likely benign. Last evaluated: 2024-10-22. Review status: criteria provided, single submitter. Criteria: ACMG Guidelines, 2015. Collection method: clinical testing. Allele origin: germline.

CeGaT Center for Human Genetics Tuebingen
Classification: Benign. Last evaluated: 2023-12-01. Review status: criteria provided, single submitter. Criteria: CeGaT Center For Human Genetics Tuebingen Variant Classification Criteria Version 2. Collection method: clinical testing. Allele origin: germline. Affected: yes. Observed: 2 variant alleles.
Comment: MTOR: BP4, BP7, BS1, BS2

GeneDx
Classification: Likely benign. Last evaluated: 2020-09-09. Review status: criteria provided, single submitter. Criteria: GeneDx Variant Classification Process June 2021. Collection method: clinical testing. Allele origin: germline. Affected: yes.

Breakthrough Genomics
Classification: Likely benign. Review status: criteria provided, single submitter. Criteria: ACMG Guidelines, 2015. Collection method: not provided. Allele origin: germline. Inheritance: Autosomal dominant inheritance. Affected: yes.